The following is an entry in ClinVar:

NM_020975.6(RET):c.1915G>T (p.Ala639Ser)

Gene: RET (ret proto-oncogene; plus strand). Cytogenetic location: 10q11.21.
Variant type: single nucleotide variant.
Coding change: c.1915G>T on transcript NM_020975.6 (MANE Select); coding-DNA position 1915, G replaced by T.
Protein change: p.Ala639Ser; replaces alanine 639 with serine.
Molecular consequence: missense variant.
Genome position (GRCh38, 1-based): chr10:43,114,515, G>T. VCF-style: chr10-43114515-G-T. GRCh37 (hg19) VCF-style: chr10-43609963-G-T.
Other names: c.1786G>T, p.Ala596Ser (NM_001406764.1, NM_001406761.1, NM_001406762.1); c.1627G>T, p.Ala543Ser (NM_001406766.1, NM_001406767.1, NM_001406770.1); c.1915G>T, p.Ala639Ser (NM_000323.2, NM_001406759.1, NM_001406760.1 and 4 more transcripts); c.1153G>T, p.Ala385Ser (NM_001355216.2); c.1519G>T, p.Ala507Ser (NM_001406769.1, NM_001406772.1); c.1477G>T, p.Ala493Ser (NM_001406771.1, NM_001406773.1); c.1390G>T, p.Ala464Ser (NM_001406774.1); c.1189G>T, p.Ala397Ser (NM_001406775.1, NM_001406776.1, NM_001406777.1 and 1 more transcripts); and 7 more; short protein forms A639S, A385S, A204S, A297S, A464S, A244S, A300S, A507S.
Identifiers: ClinVar variation 1466483 (VCV001466483.8), dbSNP rs777122776, ClinGen allele CA036574.

ClinVar aggregate classification (germline): Uncertain significance. Review status: criteria provided, multiple submitters, no conflicts (2 of 4 stars). 2 submissions from 2 submitters: Uncertain significance (2). Last evaluated 2026-02-03.

Conditions:
Multiple endocrine neoplasia, type 2 (MEN2). Identifiers: Orphanet 653, MedGen C4048306, MONDO:0019003. Disease mechanism: gain of function.
Hereditary cancer-predisposing syndrome. Also called: Tumor predisposition; Hereditary Cancer Syndrome; Hereditary neoplastic syndrome; Neoplastic Syndromes, Hereditary. Identifiers: Orphanet 140162, MedGen C0027672, MeSH D009386, MONDO:0015356.

gnomAD v4.1: 1 of 1,608,562 alleles (0.000062%); highest among the groups gnomAD compares: East Asian, 0.0022%; no homozygotes.

Submissions (2):

Labcorp Genetics (formerly Invitae), Labcorp
Classification: Uncertain significance for Multiple endocrine neoplasia, type 2. Last evaluated: 2026-02-03. Review status: criteria provided, single submitter. Criteria: Invitae Variant Classification Sherloc (09022015). Collection method: clinical testing. Allele origin: germline.
Comment: This sequence change replaces alanine, which is neutral and non-polar, with serine, which is neutral and polar, at codon 639 of the RET protein (p.Ala639Ser). The frequency data for this variant in the population databases is considered unreliable, as metrics indicate poor data quality at this position in the gnomAD database. This variant has not been reported in the literature in individuals affected with RET-related conditions. ClinVar contains an entry for this variant (Variation ID: 1466483). An algorithm developed to predict the effect of missense changes on protein structure and function (PolyPhen-2) suggests that this variant is likely to be tolerated. In summary, the available evidence is currently insufficient to determine the role of this variant in disease. Therefore, it has been classified as a Variant of Uncertain Significance.

Ambry Genetics
Classification: Uncertain significance for Hereditary cancer-predisposing syndrome. Last evaluated: 2025-08-04. Review status: criteria provided, single submitter. Criteria: Ambry Variant Classification Scheme 2023. Collection method: clinical testing. Allele origin: germline.
Comment: The p.A639S variant (also known as c.1915G>T), located in coding exon 11 of the RET gene, results from a G to T substitution at nucleotide position 1915. The alanine at codon 639 is replaced by serine, an amino acid with similar properties. This amino acid position is well conserved in available vertebrate species. In addition, the in silico prediction for this alteration is inconclusive. Based on the available evidence, the clinical significance of this variant remains unclear.